The following is an entry in ClinVar:

NM_020719.3(PRR12):c.1105G>T (p.Gly369Trp)

Gene: PRR12 (proline rich 12; plus strand). Cytogenetic location: 19q13.33.
Variant type: single nucleotide variant.
Coding change: c.1105G>T on transcript NM_020719.3 (MANE Select); coding-DNA position 1105, G replaced by T.
Protein change: p.Gly369Trp; replaces glycine 369 with tryptophan.
Molecular consequence: missense variant.
Genome position (GRCh38, 1-based): chr19:49,595,440, G>T. VCF-style: chr19-49595440-G-T. GRCh37 (hg19) VCF-style: chr19-50098697-G-T.
Other names: short protein forms G369W.
Identifiers: ClinVar variation 2628628 (VCV002628628.1), dbSNP rs761302002, ClinGen allele CA9577788.

ClinVar aggregate classification (germline): Uncertain significance (1 of 4 stars; one submission).

Conditions:
PRR12-related disorder. Also called: PRR12-related condition.

Submission:

PreventionGenetics, part of Exact Sciences
Classification: Uncertain significance for PRR12-related condition. Last evaluated: 2023-02-25. Review status: criteria provided, single submitter. Criteria: ACMG Guidelines, 2015. Collection method: clinical testing. Allele origin: germline.
Comment: The PRR12 c.1105G>T variant is predicted to result in the amino acid substitution p.Gly369Trp. To our knowledge, this variant has not been reported in the literature or in a large population database, indicating this variant is rare. At this time, the clinical significance of this variant is uncertain due to the absence of conclusive functional and genetic evidence.